The following is an entry in ClinVar:

ClinVar aggregate classification (germline): Benign/Likely benign. Review status: criteria provided, multiple submitters, no conflicts (2 of 4 stars). 4 submissions from 4 submitters: Benign (1); Likely benign (3). Last evaluated 2026-01-01.

Conditions:
Hereditary cancer-predisposing syndrome. Also called: Neoplastic Syndromes, Hereditary; Hereditary Cancer Syndrome; Tumor predisposition; Hereditary neoplastic syndrome. Identifiers: Orphanet 140162, MedGen C0027672, MeSH D009386, MONDO:0015356.
Ataxia-telangiectasia syndrome (AT). Also called: LOUIS-BAR SYNDROME; Cerebello-oculocutaneous telangiectasia; Immunodeficiency with ataxia telangiectasia; Ataxia-telangiectasia, complementation group D; AT, COMPLEMENTATION GROUP C; Ataxia-telangiectasia, complementation group E. Identifiers: Orphanet 100, MedGen C0004135, MONDO:0008840, OMIM 208900.
Familial cancer of breast. Also called: Hereditary breast cancer; BREAST CANCER, FAMILIAL; hereditary breast carcinoma. Identifiers: Orphanet 227535, MedGen C0346153, MONDO:0016419, OMIM 114480. Disease mechanism: loss of function.

Allele frequency attached by ClinVar (database versions not stated): gnomAD 0.00001; gnomAD exomes below 0.00001; TOPMed 0.00001.
gnomAD v4.1: 3 of 1,613,456 alleles (0.00019%); highest among the groups gnomAD compares: African/African-American, 0.004%; no homozygotes.

Submissions (4):

Labcorp Genetics (formerly Invitae), Labcorp
Classification: Likely benign for Ataxia-telangiectasia syndrome. Last evaluated: 2026-01-01. Review status: criteria provided, single submitter. Criteria: Invitae Variant Classification Sherloc (09022015). Collection method: clinical testing. Allele origin: germline.

Myriad Genetics, Inc.
Classification: Benign for Familial cancer of breast. Last evaluated: 2024-05-24. Review status: criteria provided, single submitter. Criteria: Myriad Autosomal Dominant, Autosomal Recessive and X-Linked Classification Criteria (2023). Collection method: clinical testing. Allele origin: unknown.
Comment: This variant is considered benign. This variant is a silent/synonymous amino acid change and it is not expected to impact splicing.

Ambry Genetics
Classification: Likely benign for Hereditary cancer-predisposing syndrome. Last evaluated: 2020-05-11. Review status: criteria provided, single submitter. Criteria: Ambry Variant Classification Scheme 2023. Collection method: clinical testing. Allele origin: germline.

GeneDx
Classification: Likely benign. Last evaluated: 2016-07-08. Review status: criteria provided, single submitter. Criteria: GeneDx Variant Classification (06012015). Collection method: clinical testing. Allele origin: germline. Affected: yes.
Comment: This variant is considered likely benign or benign based on one or more of the following criteria: it is a conservative change, it occurs at a poorly conserved position in the protein, it is predicted to be benign by multiple in silico algorithms, and/or has population frequency not consistent with disease.

NM_000051.4(ATM):c.5886A>G (p.Ala1962=)

Genes: ATM (ATM serine/threonine kinase; plus strand), C11orf65 (chromosome 11 open reading frame 65; minus strand). Cytogenetic location: 11q22.3.
Variant type: single nucleotide variant.
Coding change: c.5886A>G on transcript NM_000051.4 (MANE Select); coding-DNA position 5886, A replaced by G.
Protein change: p.Ala1962=; no amino-acid change (alanine 1962 retained).
Molecular consequence: synonymous variant. On other transcripts: intron variant (2).
Genome position (GRCh38, 1-based): chr11:108,310,283, A>G. VCF-style: chr11-108310283-A-G. GRCh37 (hg19) VCF-style: chr11-108181010-A-G.
Other names: c.5886A>G, p.Ala1962= (NM_001351834.2); c.641-1212T>C (NM_001330368.2); c.*39-1212T>C (NM_001351110.2).
Identifiers: ClinVar variation 387699 (VCV000387699.16), dbSNP rs1057522876, ClinGen allele CA16606831.